The following is an entry in ClinVar:

ClinVar aggregate classification (germline): Uncertain significance (1 of 4 stars; one submission).

gnomAD v4.1: 1 of 1,614,214 alleles (0.000062%); highest among the groups gnomAD compares: Admixed American, 0.0017%; no homozygotes.

Submission:

Women's Health and Genetics/Laboratory Corporation of America, LabCorp
Classification: Uncertain significance. Last evaluated: 2026-05-27. Review status: criteria provided, single submitter. Criteria: LabCorp Variant Classification Summary - May 2015. Collection method: clinical testing. Allele origin: germline.
Comment: Variant summary: WNK1 c.5612A>G (p.Lys1871Arg) results in a conservative amino acid change in the encoded protein sequence. Algorithms developed to predict the effect of missense changes on protein structure and function are either unavailable or do not agree on the potential impact of this missense change. The variant was absent in 251394 control chromosomes. The available data on variant occurrences in the general population are insufficient to allow any conclusion about variant significance. To our knowledge, no occurrence of c.5612A>G in individuals affected with WNK1-related conditions and no experimental evidence demonstrating its impact on protein function have been reported. No submitters have cited clinical-significance assessments for this variant to ClinVar. Based on the evidence outlined above, the variant was classified as uncertain significance.

NM_018979.4(WNK1):c.5612A>G (p.Lys1871Arg)

Gene: WNK1 (WNK lysine deficient protein kinase 1; plus strand). Cytogenetic location: 12p13.33.
Variant type: single nucleotide variant.
Coding change: c.5612A>G on transcript NM_018979.4 (MANE Select); coding-DNA position 5612, A replaced by G.
Protein change: p.Lys1871Arg; replaces lysine 1871 with arginine.
Molecular consequence: missense variant.
Genome position (GRCh38, 1-based): chr12:896,099, A>G. VCF-style: chr12-896099-A-G. GRCh37 (hg19) VCF-style: chr12-1005265-A-G.
Other names: c.6392A>G, p.Lys2131Arg (NM_001184985.2); c.4868A>G, p.Lys1623Arg (NM_014823.3); c.6368A>G, p.Lys2123Arg (NM_213655.5); short protein forms K1623R, K1871R, K2123R, K2131R.
Identifiers: ClinVar variation 4853647 (VCV004853647.1).
Genomic context (GRCh38, chr12:896,099, plus strand): 5'-TTAAGTTTTTAATCTTTGTCCTTTTTTATCAGGTTTCTGTTGCAGCAGACGGTGCCCAGA[A>G]AGAGGGTAAAAATAAGTCAGAAGATGCAAAGTCTGTTCATTTTGAATCCAGCACCTCAGA-3'
Protein context (NP_061852.3, residues 1861-1881): QVSVAADGAQ[Lys1871Arg]EGKNKSEDAK